The following is an entry in ClinVar:

NM_173630.4(RTTN):c.6359C>T (p.Pro2120Leu)

Gene: RTTN (rotatin; minus strand). Cytogenetic location: 18q22.2.
Variant type: single nucleotide variant.
Coding change: c.6359C>T on transcript NM_173630.4 (MANE Select); coding-DNA position 6359, C replaced by T.
Protein change: p.Pro2120Leu; replaces proline 2120 with leucine.
Molecular consequence: missense variant.
Genome position (GRCh38, 1-based): chr18:70,017,469, G>A on the plus strand (C>T on the coding strand, the complement: RTTN is on the minus strand). VCF-style: chr18-70017469-G-A. GRCh37 (hg19) VCF-style: chr18-67684705-G-A.
Other names: c.3623C>T, p.Pro1208Leu (NM_001318520.2); c.6359C>T (NM_173630.3); short protein forms P1208L, P2120L.
Identifiers: ClinVar variation 2185318 (VCV002185318.3), dbSNP rs769207423, ClinGen allele CA8994689.

ClinVar aggregate classification (germline): Uncertain significance. Review status: criteria provided, multiple submitters, no conflicts (2 of 4 stars). 2 submissions from 2 submitters: Uncertain significance (2). Last evaluated 2025-04-02.

Conditions:
Inborn genetic diseases. Identifiers: MedGen C0950123, MeSH D030342.

Allele frequency attached by ClinVar (database versions not stated): gnomAD exomes 0.00001; gnomAD 0.00001; ExAC 0.00002; TOPMed 0.00002.
gnomAD v4.1: 22 of 1,613,844 alleles (0.0014%); highest among the groups gnomAD compares: Admixed American, 0.02%; 1 homozygote.

Submissions (2):

Ambry Genetics
Classification: Uncertain significance for Inborn genetic diseases. Last evaluated: 2025-04-02. Review status: criteria provided, single submitter. Criteria: Ambry Variant Classification Scheme 2023. Collection method: clinical testing. Allele origin: germline.

Labcorp Genetics (formerly Invitae), Labcorp
Classification: Uncertain significance. Last evaluated: 2023-01-30. Review status: criteria provided, single submitter. Criteria: Invitae Variant Classification Sherloc (09022015). Collection method: clinical testing. Allele origin: germline.
Comment: In summary, the available evidence is currently insufficient to determine the role of this variant in disease. Therefore, it has been classified as a Variant of Uncertain Significance. Advanced modeling of protein sequence and biophysical properties (such as structural, functional, and spatial information, amino acid conservation, physicochemical variation, residue mobility, and thermodynamic stability) performed at Invitae indicates that this missense variant is not expected to disrupt RTTN protein function. This variant has not been reported in the literature in individuals affected with RTTN-related conditions. This variant is present in population databases (rs769207423, gnomAD 0.01%). This sequence change replaces proline, which is neutral and non-polar, with leucine, which is neutral and non-polar, at codon 2120 of the RTTN protein (p.Pro2120Leu).